The following is an entry in ClinVar:

ClinVar aggregate classification (germline): Likely pathogenic (1 of 4 stars; one submission).

Conditions:
Cohen syndrome (COH1). Also called: PEPPER SYNDROME; Cutis verticis gyrata, retinitis pigmentosa, and sensorineural deafness. Identifiers: Orphanet 193, MedGen C0265223, MONDO:0008999, OMIM 216550.

Submission:

Myriad Genetics, Inc.
Classification: Likely pathogenic for Cohen syndrome. Last evaluated: 2022-02-17. Review status: criteria provided, single submitter. Criteria: Myriad Women's Health Autosomal Recessive and X-Linked Classification Criteria (2021). Collection method: clinical testing. Allele origin: unknown.
Comment: NM_017890.4(VPS13B):c.4631T>A(L1544*) is expected to be pathogenic in the context of Cohen syndrome. This variant is predicted to lead to an abnormal or absent protein product due to the creation of a premature termination codon in VPS13B, a gene where loss-of-function variants are known to be pathogenic. Please note: this variant was assessed in the context of healthy population screening.

NM_152564.5(VPS13B):c.4556T>A (p.Leu1519Ter)

Gene: VPS13B (vacuolar protein sorting 13 homolog B; plus strand). Cytogenetic location: 8q22.2.
Variant type: single nucleotide variant.
Coding change: c.4556T>A on transcript NM_152564.5 (MANE Select); coding-DNA position 4556, T replaced by A.
Protein change: p.Leu1519Ter; replaces leucine 1519 with a stop codon.
Molecular consequence: nonsense.
Genome position (GRCh38, 1-based): chr8:99,511,435, T>A. VCF-style: chr8-99511435-T-A. GRCh37 (hg19) VCF-style: chr8-100523663-T-A.
Other names: c.4631T>A, p.Leu1544Ter (NM_017890.5); short protein forms L1519*, L1544*.
Identifiers: ClinVar variation 1726662 (VCV001726662.2), dbSNP rs1315598070, ClinGen allele CA371871888.
Genomic context (GRCh38, chr8:99,511,435, plus strand): 5'-AAGAGAAAAGAAAATCTCCTGGTCAGCCCATGAGGACCCATACACTGACATCCCGCAATT[T>A]ACCTTTGATTTATGTCAACACAAGTGTAATCAGAATTTTTATTCCAAAAACAGAAGAAAT-3'